The following is an entry in ClinVar:

ClinVar aggregate classification (germline): Pathogenic (1 of 4 stars; one submission).

Submission:

Labcorp Genetics (formerly Invitae), Labcorp
Classification: Pathogenic. Last evaluated: 2026-01-19. Review status: criteria provided, single submitter. Criteria: Invitae Variant Classification Sherloc (09022015). Collection method: clinical testing. Allele origin: germline.
Comment: This sequence change creates a premature translational stop signal (p.Trp1600Cysfs*91) in the ANK1 gene. It is expected to result in an absent or disrupted protein product. Loss-of-function variants in ANK1 are known to be pathogenic (PMID: 8640229). This variant is not present in population databases (gnomAD no frequency). This variant has not been reported in the literature in individuals affected with ANK1-related conditions. For these reasons, this variant has been classified as Pathogenic.

Literature cited by the submitters: PubMed 8640229.

NM_000037.4(ANK1):c.4798_4799dup (p.Trp1600fs)

Gene: ANK1 (ankyrin 1; minus strand). Cytogenetic location: 8p11.21.
Variant type: Duplication.
Coding change: c.4798_4799dup on transcript NM_000037.4 (MANE Select); coding-DNA positions 4798 to 4799, 2 bases duplicated (TG; older notation c.4798_4799dupTG).
Protein change: p.Trp1600fs; shifts the reading frame from tryptophan 1600.
Molecular consequence: frameshift variant. On other transcripts: intron variant (1).
Genome position (GRCh38, 1-based): chr8:41,672,651-41,672,652, CA duplicated on the plus strand (TG on the coding strand, the reverse complement: ANK1 is on the minus strand); duplicating any 2 consecutive bases within chr8:41,672,651-41,672,653 gives the same sequence; the c. name uses the placement nearest the transcript's 3' end. VCF-style (leftmost placement, unchanged base first): chr8-41672650-C-CCA. GRCh37 (hg19) VCF-style: chr8-41530168-C-CCA.
Other names: c.4921_4922dup, p.Trp1641fs (NM_001142446.2); c.4798_4799dup, p.Trp1600fs (NM_020475.3, NM_020476.3); c.4538-226_4538-225dup (NM_020477.3); short protein forms W1600fs, W1641fs.
Identifiers: ClinVar variation 4735788 (VCV004735788.1).